The following is an entry in ClinVar:

ClinVar aggregate classification (germline): Pathogenic (1 of 4 stars; one submission).

Conditions:
Familial cancer of breast. Also called: BREAST CANCER, FAMILIAL; Hereditary breast cancer; hereditary breast carcinoma. Identifiers: Orphanet 227535, MedGen C0346153, MONDO:0016419, OMIM 114480. Disease mechanism: loss of function.

Submission:

Myriad Genetics, Inc.
Classification: Pathogenic for Familial cancer of breast. Last evaluated: 2024-01-24. Review status: criteria provided, single submitter. Criteria: Myriad Autosomal Dominant, Autosomal Recessive and X-Linked Classification Criteria (2023). Collection method: clinical testing. Allele origin: unknown.
Comment: This variant is considered pathogenic. This variant creates a frameshift predicted to result in premature protein truncation.

NM_000051.4(ATM):c.4465dup (p.Arg1489fs)

Gene: ATM (ATM serine/threonine kinase; plus strand). Cytogenetic location: 11q22.3.
Variant type: Duplication.
Coding change: c.4465dup on transcript NM_000051.4 (MANE Select); coding-DNA position 4465, one base duplicated (C; older notation c.4465dupC).
Protein change: p.Arg1489fs; shifts the reading frame from arginine 1489.
Molecular consequence: frameshift variant.
Genome position (GRCh38, 1-based): chr11:108,292,647, C duplicated. VCF-style (leftmost placement, unchanged base first): chr11-108292646-A-AC. GRCh37 (hg19) VCF-style: chr11-108163373-A-AC.
Other names: c.4465dup, p.Arg1489fs (NM_001351834.2); short protein forms R1489fs.
Identifiers: ClinVar variation 3148390 (VCV003148390.1), dbSNP rs2546924313, ClinGen allele CA2825001852.
Genomic context (GRCh38, chr11:108,292,646, plus strand): 5'-GGTTGTTGTTGTTTTTTTTTCTCCCTATATTAGGCCTTCTTGTATCATGGATGTGTCATT[A>AC]CGTAGCTTCTCCCTTTGTTGTGACTTATTAAGTCAGGTTTGCCAGACAGCCGTGACTTAC-3'